The following is an entry in ClinVar:

ClinVar aggregate classification (germline): Likely pathogenic (1 of 4 stars; one submission).

Allele frequency attached by ClinVar (database versions not stated): gnomAD exomes below 0.00001.
gnomAD v4.1: 1 of 1,613,916 alleles (0.000062%); highest among the groups gnomAD compares: Non-Finnish European, 0.000085%; no homozygotes.

Submission:

Labcorp Genetics (formerly Invitae), Labcorp
Classification: Likely pathogenic. Last evaluated: 2023-12-10. Review status: criteria provided, single submitter. Criteria: Invitae Variant Classification Sherloc (09022015). Collection method: clinical testing. Allele origin: germline.
Comment: This sequence change affects an acceptor splice site in intron 33 of the PCNT gene. It is expected to disrupt RNA splicing. Variants that disrupt the donor or acceptor splice site typically lead to a loss of protein function (PMID: 16199547), and loss-of-function variants in PCNT are known to be pathogenic (PMID: 18174396, 22821869). This variant is not present in population databases (gnomAD no frequency). This variant has not been reported in the literature in individuals affected with PCNT-related conditions. Algorithms developed to predict the effect of sequence changes on RNA splicing suggest that this variant may disrupt the consensus splice site. In summary, the currently available evidence indicates that the variant is pathogenic, but additional data are needed to prove that conclusively. Therefore, this variant has been classified as Likely Pathogenic.

Literature cited by the submitters: PubMed 16199547; PubMed 18174396; PubMed 22821869.

NM_006031.6(PCNT):c.7321-1G>A

Gene: PCNT (pericentrin; plus strand). Cytogenetic location: 21q22.3.
Variant type: single nucleotide variant.
Coding change: c.7321-1G>A on transcript NM_006031.6 (MANE Select); the canonical splice acceptor site of the intron before coding-DNA position 7321, G replaced by A.
Molecular consequence: splice acceptor variant.
Genome position (GRCh38, 1-based): chr21:46,427,621, G>A. VCF-style: chr21-46427621-G-A. GRCh37 (hg19) VCF-style: chr21-47847535-G-A.
Other names: c.6967-1G>A (NM_001315529.2).
Identifiers: ClinVar variation 2962015 (VCV002962015.3), dbSNP rs2518961833, ClinGen allele CA410568586.